The following is an entry in ClinVar:

NM_052947.4(ALPK2):c.1136G>A (p.Ser379Asn)

Genes: ALPK2 (alpha kinase 2; minus strand), LOC114803473 (ALPK2 eExon liver enhancer; plus strand). Cytogenetic location: 18q21.31.
Variant type: single nucleotide variant.
Coding change: c.1136G>A on transcript NM_052947.4 (MANE Select); coding-DNA position 1136, G replaced by A.
Protein change: p.Ser379Asn; replaces serine 379 with asparagine.
Molecular consequence: missense variant.
Genome position (GRCh38, 1-based): chr18:58,579,640, C>T on the plus strand (G>A on the coding strand, the complement: ALPK2 is on the minus strand). VCF-style: chr18-58579640-C-T. GRCh37 (hg19) VCF-style: chr18-56246872-C-T.
Other names: short protein forms S379N.
Identifiers: ClinVar variation 1729809 (VCV001729809.2), dbSNP rs754114949, ClinGen allele CA402564556.
Genomic context (GRCh38, chr18:58,579,640, plus strand): 5'-CCAGCAGTGGCAACCATAGGCCCAGCGTCACCCGACACCCGAGACCCACAACCCATTCCA[C>T]TGAGGAAATGCTCACACCCACCCAGGCAATGCTCACCGAATTCCATCTCTTCGTCATCGC-3'
Protein context (NP_443179.3, residues 369-389): HCLGGCEHFL[Ser379Asn]GMGCGSRVSG

ClinVar aggregate classification (germline): Uncertain significance (1 of 4 stars; one submission).

Submission:

Ambry Genetics
Classification: Uncertain significance. Last evaluated: 2021-11-16. Review status: criteria provided, single submitter. Criteria: Ambry Variant Classification Scheme 2023. Collection method: clinical testing. Allele origin: germline.
Comment: The p.S379N variant (also known as c.1136G>A), located in coding exon 3 of the ALPK2 gene, results from a G to A substitution at nucleotide position 1136. The serine at codon 379 is replaced by asparagine, an amino acid with highly similar properties. This amino acid position is conserved. In addition, this alteration is predicted to be tolerated by in silico analysis. Since supporting evidence is limited at this time, the clinical significance of this alteration remains unclear.